The following is an entry in ClinVar:

NM_000260.4(MYO7A):c.659A>G (p.His220Arg)

Gene: MYO7A (myosin VIIA; plus strand). Cytogenetic location: 11q13.5.
Variant type: single nucleotide variant.
Coding change: c.659A>G on transcript NM_000260.4 (MANE Select); coding-DNA position 659, A replaced by G.
Protein change: p.His220Arg; replaces histidine 220 with arginine.
Molecular consequence: missense variant.
Genome position (GRCh38, 1-based): chr11:77,156,928, A>G. VCF-style: chr11-77156928-A-G. GRCh37 (hg19) VCF-style: chr11-76867974-A-G.
Other names: c.659A>G, p.His220Arg (NM_001127180.2); c.626A>G, p.His209Arg (NM_001369365.1); short protein forms H209R, H220R.
Identifiers: ClinVar variation 1049720 (VCV001049720.4), dbSNP rs2135239065, ClinGen allele CA381932159.

ClinVar aggregate classification (germline): Uncertain significance. Review status: criteria provided, single submitter (1 of 4 stars). 2 submissions from 2 submitters: Uncertain significance (1). 1 of the submissions does not count toward it. Last evaluated 2023-12-10.

gnomAD v4.1: 1 of 1,613,990 alleles (0.000062%); no homozygotes.

Submissions (2):

Labcorp Genetics (formerly Invitae), Labcorp
Classification: Uncertain significance. Last evaluated: 2023-12-10. Review status: criteria provided, single submitter. Criteria: Invitae Variant Classification Sherloc (09022015). Collection method: clinical testing. Allele origin: germline.
Comment: This sequence change replaces histidine, which is basic and polar, with arginine, which is basic and polar, at codon 220 of the MYO7A protein (p.His220Arg). This variant is not present in population databases (gnomAD no frequency). This variant has not been reported in the literature in individuals affected with MYO7A-related conditions. ClinVar contains an entry for this variant (Variation ID: 1049720). Advanced modeling of protein sequence and biophysical properties (such as structural, functional, and spatial information, amino acid conservation, physicochemical variation, residue mobility, and thermodynamic stability) performed at Invitae indicates that this missense variant is not expected to disrupt MYO7A protein function with a negative predictive value of 95%. In summary, the available evidence is currently insufficient to determine the role of this variant in disease. Therefore, it has been classified as a Variant of Uncertain Significance.

Department of Pathology and Laboratory Medicine, Sinai Health System
Classification: Uncertain significance. Review status: no assertion criteria provided. Collection method: clinical testing. Allele origin: unknown. Affected: yes. Study: The Canadian Open Genetics Repository (COGR). Not counted in ClinVar's aggregate classification.
Comment: The MYO7A p.His220Arg variant was not identified in the literature nor was it identified in the dbSNP, ClinVar, Cosmic, MutDB or LOVD 3.0 databases. The variant was also not identified in the following control databases: the 1000 Genomes Project, the NHLBI GO Exome Sequencing Project, the Exome Aggregation Consortium (August 8th 2016), or the Genome Aggregation Database (Feb 27, 2017). The p.His220 residue is conserved in mammals but not in more distantly related organisms and computational analyses (PolyPhen-2, SIFT, AlignGVGD, BLOSUM, MutationTaster) provide inconsistent predictions regarding the impact to the protein; this information is not very predictive of pathogenicity. In summary, based on the above information the clinical significance of this variant cannot be determined with certainty at this time. This variant is classified as a variant of uncertain significance.